The following is an entry in ClinVar:

NM_000038.6(APC):c.646-3605C>T

Gene: APC (APC regulator of WNT signaling pathway; plus strand). Cytogenetic location: 5q22.2.
Variant type: single nucleotide variant.
Coding change: c.646-3605C>T on transcript NM_000038.6 (MANE Select); 3605 bases into the intron before coding-DNA position 646, C replaced by T.
Molecular consequence: intron variant.
Genome position (GRCh38, 1-based): chr5:112,788,841, C>T. VCF-style: chr5-112788841-C-T. GRCh37 (hg19) VCF-style: chr5-112124538-C-T.
Other names: c.646-3605C>T (NM_001354895.2, NM_001127510.3, NM_001354896.2 and 1 more transcripts); c.676-3605C>T (NM_001354897.2, NM_001354902.2); c.675+7938C>T (NM_001127511.3); c.571-3605C>T (NM_001354898.2, NM_001354904.2); c.-390-3605C>T (NM_001354906.2); c.645+7938C>T (NM_001354899.2); c.469-3605C>T (NM_001354900.2, NM_001354901.2, NM_001354905.2).
Identifiers: ClinVar variation 82467 (VCV000082467.2), dbSNP rs75085438, ClinGen allele CA011850.
Genomic context (GRCh38, chr5:112,788,841, plus strand): 5'-GTGAAAAGTATCCAGCAGTCTTCCTGAAATATTTTATTATATCATCGCCGGTTTAAGATT[C>T]TATACACTGTCATATTGTTCGCAAATAATGACAGTTTGTTTATCCTTTCCAGTCCTTACA-3'

ClinVar aggregate classification (germline): other (0 of 4 stars; one submission).

Conditions:
Familial colorectal cancer. Identifiers: MedGen CN280943, MONDO:0023113. Disease mechanism: loss of function.

Submission:

Systems Biology Platform Zhejiang California International NanoSystems Institute
Classification: other for Familial colorectal cancer. Review status: no assertion criteria provided. Collection method: not provided. Allele origin: unknown.
ClinVar note: Converted during submission from cancer to other.